The following is an entry in ClinVar:

ClinVar aggregate classification (germline): Likely benign. Review status: criteria provided, multiple submitters, no conflicts (2 of 4 stars). 5 submissions from 5 submitters: Likely benign (4). 1 of the submissions does not count toward it. Last evaluated 2025-06-08.

Conditions:
BRAT1-related disorder. Also called: BRAT1-related condition; BRAT1-related disorders.
Neonatal-onset encephalopathy with rigidity and seizures. Also called: Lethal neonatal spasticity-epileptic encephalopathy syndrome. Identifiers: Orphanet 435845, MedGen C3281029, MONDO:0013784, OMIM 614498.

Allele frequency attached by ClinVar (database versions not stated): gnomAD exomes 0.00002; ExAC 0.00003; gnomAD 0.00004 and 0.00005; TOPMed 0.00007; ESP Exome Variant Server 0.00008.

Submissions (5):

Labcorp Genetics (formerly Invitae), Labcorp
Classification: Likely benign for Neonatal-onset encephalopathy with rigidity and seizures. Last evaluated: 2025-06-08. Review status: criteria provided, single submitter. Criteria: Invitae Variant Classification Sherloc (09022015). Collection method: clinical testing. Allele origin: germline.

Mayo Clinic Laboratories, Mayo Clinic
Classification: Likely benign. Last evaluated: 2025-01-02. Review status: criteria provided, single submitter. Criteria: ACMG Guidelines, 2015. Collection method: clinical testing. Allele origin: germline. Observed: 1 variant allele.
Comment: BP4, BP7

Blueprint Genetics
Classification: Likely benign. Last evaluated: 2024-09-11. Review status: criteria provided, single submitter. Criteria: ACMG Guidelines, 2015. Collection method: clinical testing. Allele origin: germline.

GeneDx
Classification: Likely benign. Last evaluated: 2019-06-27. Review status: criteria provided, single submitter. Criteria: GeneDx Variant Classification Process June 2021. Collection method: clinical testing. Allele origin: germline. Affected: yes.

PreventionGenetics, part of Exact Sciences
Classification: Likely benign for BRAT1-related condition. Last evaluated: 2019-07-12. Review status: no assertion criteria provided. Collection method: clinical testing. Allele origin: germline. Not counted in ClinVar's aggregate classification.
Comment: This variant is classified as likely benign based on ACMG/AMP sequence variant interpretation guidelines (Richards et al. 2015 PMID: 25741868, with internal and published modifications).

NM_152743.4(BRAT1):c.657C>T (p.Asn219=)

Gene: BRAT1 (BRCA1 associated ATM activator 1; minus strand). Cytogenetic location: 7p22.3.
Variant type: single nucleotide variant.
Coding change: c.657C>T on transcript NM_152743.4 (MANE Select); coding-DNA position 657, C replaced by T.
Protein change: p.Asn219=; no amino-acid change (asparagine 219 retained).
Molecular consequence: synonymous variant. On other transcripts: non-coding transcript variant (1).
Genome position (GRCh38, 1-based): chr7:2,543,736, G>A on the plus strand (C>T on the coding strand, the complement: BRAT1 is on the minus strand). VCF-style: chr7-2543736-G-A. GRCh37 (hg19) VCF-style: chr7-2583370-G-A.
Other names: p.Asn219=; c.657C>T, p.Asn219= (NM_001350626.2); c.132C>T, p.Asn44= (NM_001350627.2).
Identifiers: ClinVar variation 1124918 (VCV001124918.16), dbSNP rs143559840, ClinGen allele CA4128135.